The following is an entry in ClinVar:

ClinVar aggregate classification (germline): Uncertain significance (1 of 4 stars; one submission).

Conditions:
Ullrich congenital muscular dystrophy 2 (UCMD2). Identifiers: Orphanet 75840, MedGen C4225314, MONDO:0014654, OMIM 616470.
Bethlem myopathy 2 (BTHLM2). Identifiers: Orphanet 536516, Orphanet 610, MedGen C4225313, MONDO:0034022, OMIM 616471.

Allele frequency attached by ClinVar (database versions not stated): gnomAD exomes below 0.00001 and 0.00001.
gnomAD v4.1: 3 of 1,551,956 alleles (0.00019%); highest among the groups gnomAD compares: Non-Finnish European, 0.00026%; no homozygotes.

Submission:

Labcorp Genetics (formerly Invitae), Labcorp
Classification: Uncertain significance for Bethlem myopathy 2; Ullrich congenital muscular dystrophy 2. Last evaluated: 2021-12-03. Review status: criteria provided, single submitter. Criteria: Invitae Variant Classification Sherloc (09022015). Collection method: clinical testing. Allele origin: germline.
Comment: This sequence change replaces alanine, which is neutral and non-polar, with valine, which is neutral and non-polar, at codon 15 of the COL12A1 protein (p.Ala15Val). In summary, the available evidence is currently insufficient to determine the role of this variant in disease. Therefore, it has been classified as a Variant of Uncertain Significance. Algorithms developed to predict the effect of missense changes on protein structure and function output the following: SIFT: "Tolerated"; PolyPhen-2: "Benign"; Align-GVGD: "Class C0". The valine amino acid residue is found in multiple mammalian species, which suggests that this missense change does not adversely affect protein function. This variant has not been reported in the literature in individuals affected with COL12A1-related conditions. The frequency data for this variant in the population databases is considered unreliable, as metrics indicate poor data quality at this position in the gnomAD database.

NM_004370.6(COL12A1):c.44C>T (p.Ala15Val)

Gene: COL12A1 (collagen type XII alpha 1 chain; minus strand). Cytogenetic location: 6q14.1.
Variant type: single nucleotide variant.
Coding change: c.44C>T on transcript NM_004370.6 (MANE Select); coding-DNA position 44, C replaced by T.
Protein change: p.Ala15Val; replaces alanine 15 with valine.
Molecular consequence: missense variant.
Genome position (GRCh38, 1-based): chr6:75,202,749, G>A on the plus strand (C>T on the coding strand, the complement: COL12A1 is on the minus strand). VCF-style: chr6-75202749-G-A. GRCh37 (hg19) VCF-style: chr6-75912465-G-A.
Other names: c.44C>T, p.Ala15Val (NM_080645.3); short protein forms A15V.
Identifiers: ClinVar variation 1439561 (VCV001439561.6), dbSNP rs1267769116, ClinGen allele CA364734268.